The following is an entry in ClinVar:

NM_178822.5(IGSF10):c.448T>C (p.Tyr150His)

Gene: IGSF10 (immunoglobulin superfamily member 10; minus strand). Cytogenetic location: 3q25.1.
Variant type: single nucleotide variant.
Coding change: c.448T>C on transcript NM_178822.5 (MANE Select); coding-DNA position 448, T replaced by C.
Protein change: p.Tyr150His; replaces tyrosine 150 with histidine.
Molecular consequence: missense variant.
Genome position (GRCh38, 1-based): chr3:151,453,651, A>G on the plus strand (T>C on the coding strand, the complement: IGSF10 is on the minus strand). VCF-style: chr3-151453651-A-G. GRCh37 (hg19) VCF-style: chr3-151171439-A-G.
Other names: c.448T>C, p.Tyr150His (NM_001385060.1, NM_001385061.1, NM_001385062.1 and 1 more transcripts); short protein forms Y150H.
Identifiers: ClinVar variation 4726646 (VCV004726646.1).

ClinVar aggregate classification (germline): Uncertain significance (1 of 4 stars; one submission).

Submission:

Labcorp Genetics (formerly Invitae), Labcorp
Classification: Uncertain significance. Last evaluated: 2025-09-04. Review status: criteria provided, single submitter. Criteria: Invitae Variant Classification Sherloc (09022015). Collection method: clinical testing. Allele origin: germline.
Comment: This sequence change replaces tyrosine, which is neutral and polar, with histidine, which is basic and polar, at codon 150 of the IGSF10 protein (p.Tyr150His). This variant is not present in population databases (gnomAD no frequency). This variant has not been reported in the literature in individuals affected with IGSF10-related conditions. An algorithm developed to predict the effect of missense changes on protein structure and function outputs the following: PolyPhen-2: "Benign". The histidine amino acid residue is found in multiple mammalian species, which suggests that this missense change does not adversely affect protein function. In summary, the available evidence is currently insufficient to determine the role of this variant in disease. Therefore, it has been classified as a Variant of Uncertain Significance.